The following is an entry in ClinVar:

NM_178170.3(NEK8):c.1915A>C (p.Lys639Gln)

Gene: NEK8 (NIMA related kinase 8; plus strand). Cytogenetic location: 17q11.2.
Variant type: single nucleotide variant.
Coding change: c.1915A>C on transcript NM_178170.3 (MANE Select); coding-DNA position 1915, A replaced by C.
Protein change: p.Lys639Gln; replaces lysine 639 with glutamine.
Molecular consequence: missense variant.
Genome position (GRCh38, 1-based): chr17:28,741,436, A>C. VCF-style: chr17-28741436-A-C. GRCh37 (hg19) VCF-style: chr17-27068454-A-C.
Other names: short protein forms K639Q.
Identifiers: ClinVar variation 951284 (VCV000951284.8), dbSNP rs148904248, ClinGen allele CA8467590.

ClinVar aggregate classification (germline): Uncertain significance. Review status: criteria provided, multiple submitters, no conflicts (2 of 4 stars). 3 submissions from 3 submitters: Uncertain significance (3). Last evaluated 2026-01-24.

Conditions:
Inborn genetic diseases. Identifiers: MedGen C0950123, MeSH D030342.
Nephronophthisis 9 (NPHP9). Identifiers: Orphanet 655, MedGen C3151188, MONDO:0013444, OMIM 613824.
Renal-hepatic-pancreatic dysplasia 2 (RHPD2). Identifiers: MedGen C3809434, MONDO:0014174, OMIM 615415.
Polycystic kidney disease 8. Identifiers: MedGen C5935640, MONDO:0971178, OMIM 620903.

Allele frequency attached by ClinVar (database versions not stated): gnomAD 0.00005; gnomAD exomes 0.00005 and 0.00006; TOPMed 0.00005; ExAC 0.00007; ESP Exome Variant Server 0.00015.
gnomAD v4.1: 76 of 1,613,972 alleles (0.0047%); highest among the groups gnomAD compares: Non-Finnish European, 0.0058%; no homozygotes.

Submissions (3):

Labcorp Genetics (formerly Invitae), Labcorp
Classification: Uncertain significance for Nephronophthisis 9. Last evaluated: 2026-01-24. Review status: criteria provided, single submitter. Criteria: Invitae Variant Classification Sherloc (09022015). Collection method: clinical testing. Allele origin: germline.
Comment: This sequence change replaces lysine, which is basic and polar, with glutamine, which is neutral and polar, at codon 639 of the NEK8 protein (p.Lys639Gln). This variant is present in population databases (rs148904248, gnomAD 0.01%). This variant has not been reported in the literature in individuals affected with NEK8-related conditions. ClinVar contains an entry for this variant (Variation ID: 951284). An algorithm developed to predict the effect of missense changes on protein structure and function (PolyPhen-2) suggests that this variant is likely to be disruptive. In summary, the available evidence is currently insufficient to determine the role of this variant in disease. Therefore, it has been classified as a Variant of Uncertain Significance.

Ambry Genetics
Classification: Uncertain significance for Inborn genetic diseases. Last evaluated: 2024-11-07. Review status: criteria provided, single submitter. Criteria: Ambry Variant Classification Scheme 2023. Collection method: clinical testing. Allele origin: germline.

Fulgent Genetics
Classification: Uncertain significance for Nephronophthisis 9; Renal-hepatic-pancreatic dysplasia 2; Polycystic kidney disease 8. Last evaluated: 2024-06-23. Review status: criteria provided, single submitter. Criteria: ACMG Guidelines, 2015. Collection method: clinical testing. Allele origin: germline.